The following is an entry in ClinVar:

ClinVar aggregate classification (germline): Uncertain significance (1 of 4 stars; one submission).

Allele frequency attached by ClinVar (database versions not stated): TOPMed 0.00001.

Submission:

Labcorp Genetics (formerly Invitae), Labcorp
Classification: Uncertain significance. Last evaluated: 2018-09-15. Review status: criteria provided, single submitter. Criteria: Invitae Variant Classification Sherloc (09022015). Collection method: clinical testing. Allele origin: germline.
Comment: Algorithms developed to predict the effect of missense changes on protein structure and function do not agree on the potential impact of this missense change (SIFT: "Deleterious"; PolyPhen-2: "Probably Damaging"; Align-GVGD: "Class C0"). In summary, the available evidence is currently insufficient to determine the role of this variant in disease. Therefore, it has been classified as a Variant of Uncertain Significance. This variant has not been reported in the literature in individuals with ABCB7-related disease. This sequence change replaces isoleucine with threonine at codon 401 of the ABCB7 protein (p.Ile401Thr). The isoleucine residue is highly conserved and there is a moderate physicochemical difference between isoleucine and threonine. This variant is not present in population databases (ExAC no frequency).

NM_001271696.3(ABCB7):c.1199T>C (p.Ile400Thr)

Gene: ABCB7 (ATP binding cassette subfamily B member 7; minus strand). Cytogenetic location: Xq13.3.
Variant type: single nucleotide variant.
Coding change: c.1199T>C on transcript NM_001271696.3 (MANE Select); coding-DNA position 1199, T replaced by C.
Protein change: p.Ile400Thr; replaces isoleucine 400 with threonine.
Molecular consequence: missense variant.
Genome position (GRCh38, 1-based): chrX:75,071,517, A>G on the plus strand (T>C on the coding strand, the complement: ABCB7 is on the minus strand). VCF-style: chrX-75071517-A-G. GRCh37 (hg19) VCF-style: chrX-74291352-A-G.
Other names: c.1079T>C, p.Ile360Thr (NM_001271697.3); c.1121T>C, p.Ile374Thr (NM_001271698.3); c.1082T>C, p.Ile361Thr (NM_001271699.3); c.1202T>C, p.Ile401Thr (NM_004299.6); short protein forms I360T, I361T, I374T, I400T, I401T.
Identifiers: ClinVar variation 654310 (VCV000654310.8), dbSNP rs1052386741, ClinGen allele CA331330833.